The following is an entry in ClinVar:

ClinVar aggregate classification (germline): Uncertain significance. Review status: criteria provided, multiple submitters, no conflicts (2 of 4 stars). 6 submissions from 6 submitters: Uncertain significance (6). Last evaluated 2026-04-01.

Conditions:
MME-related disorder. Also called: MME-related condition.
Spinocerebellar ataxia 43 (SCA43). Identifiers: Orphanet 497764, MedGen C4310763, MONDO:0014867, OMIM 617018.
Charcot-Marie-Tooth disease axonal type 2T. Identifiers: Orphanet 443950, MedGen C4015635, OMIM 617017, MONDO:0014866.

Allele frequency attached by ClinVar (database versions not stated): ExAC 0.00002; gnomAD exomes 0.00002 and 0.00003; TOPMed 0.00003; gnomAD 0.00004 and 0.00005; 1000 Genomes Project 30x 0.00016; 1000 Genomes Project 0.00020.
gnomAD v4.1: 34 of 1,613,450 alleles (0.0021%); highest among the groups gnomAD compares: Middle Eastern, 0.017%; no homozygotes.

Submissions (6):

CeGaT Center for Human Genetics Tuebingen
Classification: Uncertain significance. Last evaluated: 2026-04-01. Review status: criteria provided, single submitter. Criteria: CeGaT Center For Human Genetics Tuebingen Variant Classification Criteria Version 2. Collection method: clinical testing. Allele origin: germline. Affected: yes. Observed: 1 variant allele.
Comment: MME: PM2, BP4

Women's Health and Genetics/Laboratory Corporation of America, LabCorp
Classification: Uncertain significance. Last evaluated: 2026-03-25. Review status: criteria provided, single submitter. Criteria: LabCorp Variant Classification Summary - May 2015. Collection method: clinical testing. Allele origin: germline.
Comment: Variant summary: MME c.854A>G (p.Asn285Ser) results in a conservative amino acid change in the encoded protein sequence. Algorithms developed to predict the effect of missense changes on protein structure and function are either unavailable or do not agree on the potential impact of this missense change. Consensus agreement among computation tools predict no significant impact on normal splicing. However, these predictions have yet to be confirmed by functional studies. The variant allele was found at a frequency of 2.8e-05 in 250722 control chromosomes. The available data on variant occurrences in the general population are insufficient to allow any conclusion about variant significance. To our knowledge, no occurrence of c.854A>G in individuals affected with MME-related conditions has been reported. At least one publication reports experimental evidence evaluating an impact on protein function in vitro, however, does not allow convincing conclusions about the variant effect (example, Pereira_2010). The following publication has been ascertained in the context of this evaluation (PMID: 20692264). ClinVar contains an entry for this variant (Variation ID: 1503777). Based on the evidence outlined above, the variant was classified as uncertain significance.

PreventionGenetics, part of Exact Sciences
Classification: Uncertain significance for MME-related condition. Last evaluated: 2025-03-17. Review status: criteria provided, single submitter. Criteria: ACMG Guidelines, 2015. Collection method: clinical testing. Allele origin: germline.
Comment: The MME c.854A>G variant is predicted to result in the amino acid substitution p.Asn285Ser. To our knowledge, this variant has not been reported in the literature. This variant is reported in 0.0062% of alleles in individuals of African descent in gnomAD. At this time, the clinical significance of this variant is uncertain due to the absence of conclusive functional and genetic evidence.

Labcorp Genetics (formerly Invitae), Labcorp
Classification: Uncertain significance. Last evaluated: 2025-01-14. Review status: criteria provided, single submitter. Criteria: Invitae Variant Classification Sherloc (09022015). Collection method: clinical testing. Allele origin: germline.
Comment: This sequence change replaces asparagine, which is neutral and polar, with serine, which is neutral and polar, at codon 285 of the MME protein (p.Asn285Ser). This variant is present in population databases (rs200961860, gnomAD 0.007%). This variant has not been reported in the literature in individuals affected with MME-related conditions. ClinVar contains an entry for this variant (Variation ID: 1503777). An algorithm developed to predict the effect of missense changes on protein structure and function (PolyPhen-2) suggests that this variant¬†is likely to be tolerated. Experimental studies are conflicting or provide insufficient evidence to determine the effect of this variant on MME function (PMID: 20692264). Algorithms developed to predict the effect of sequence changes on RNA splicing suggest that this variant may disrupt the consensus splice site. In summary, the available evidence is currently insufficient to determine the role of this variant in disease. Therefore, it has been classified as a Variant of Uncertain Significance.

GeneDx
Classification: Uncertain significance. Last evaluated: 2023-08-25. Review status: criteria provided, single submitter. Criteria: GeneDx Variant Classification Process June 2021. Collection method: clinical testing. Allele origin: germline. Affected: yes.
Comment: Previously reported as a polymorphism in a cohort of healthy individuals (Pereira et al., 2010); Published in vitro functional studies show that this variant causes increased protein levels and enzyme activity but normal protein folding and substrate kinetics (Pereira et al., 2010); In silico analysis supports that this missense variant has a deleterious effect on protein structure/function; This variant is associated with the following publications: (PMID: 20692264)

Department of Pathology and Laboratory Medicine, Sinai Health System
Classification: Uncertain significance for Charcot-Marie-Tooth disease axonal type 2T; Spinocerebellar ataxia 43. Last evaluated: 2023-02-06. Review status: criteria provided, single submitter. Criteria: ACMG Guidelines, 2015. Collection method: research. Allele origin: germline.

Literature cited by the submitters: PubMed 27249223 (cited by Women's Health and Genetics/Laboratory Corporation of America, LabCorp); PubMed 20692264 (cited by Women's Health and Genetics/Laboratory Corporation of America, LabCorp and Labcorp Genetics (formerly Invitae), Labcorp).

NM_007289.4(MME):c.854A>G (p.Asn285Ser)

Gene: MME (membrane metalloendopeptidase; plus strand). Cytogenetic location: 3q25.2.
Variant type: single nucleotide variant.
Coding change: c.854A>G on transcript NM_007289.4 (MANE Select); coding-DNA position 854, A replaced by G.
Protein change: p.Asn285Ser; replaces asparagine 285 with serine.
Molecular consequence: missense variant.
Genome position (GRCh38, 1-based): chr3:155,138,235, A>G. VCF-style: chr3-155138235-A-G. GRCh37 (hg19) VCF-style: chr3-154856024-A-G.
Other names: c.854A>G, p.Asn285Ser (NM_000902.5, NM_001354642.2, NM_001354643.1 and 2 more transcripts); c.854A>G (NM_007289.2); short protein forms N285S.
Identifiers: ClinVar variation 1503777 (VCV001503777.13), dbSNP rs200961860, ClinGen allele CA2675286.
Genomic context (GRCh38, chr3:155,138,235, plus strand): 5'-ATGAAAACCAGCTTGCTTTGGAAATGAATAAAGTTATGGAATTGGAAAAAGAAATTGCCA[A>G]TGTAAAACACATTTTTTTTTCTGATACACTGAATAATGTCAACCGCTTTTTTTCTTTCCC-3'
Protein context (NP_009220.2, residues 275-295): KVMELEKEIA[Asn285Ser]ATAKPEDRND